The following is an entry in ClinVar:

NM_001009944.3(PKD1):c.4373C>T (p.Ala1458Val)

Gene: PKD1 (polycystin 1, transient receptor potential channel interacting; minus strand). Cytogenetic location: 16p13.3.
Variant type: single nucleotide variant.
Coding change: c.4373C>T on transcript NM_001009944.3 (MANE Select); coding-DNA position 4373, C replaced by T.
Protein change: p.Ala1458Val; replaces alanine 1458 with valine.
Molecular consequence: missense variant.
Genome position (GRCh38, 1-based): chr16:2,110,794, G>A on the plus strand (C>T on the coding strand, the complement: PKD1 is on the minus strand). VCF-style: chr16-2110794-G-A. GRCh37 (hg19) VCF-style: chr16-2160795-G-A.
Other names: c.4373C>T, p.Ala1458Val (NM_000296.4); c.4373C>T (NM_000296.3); short protein forms A1458V.
Identifiers: ClinVar variation 1313456 (VCV001313456.3), dbSNP rs2151797690, ClinGen allele CA394380552.
Genomic context (GRCh38, chr16:2,110,794, plus strand): 5'-CCAAGGGAGCCATTGACCTTGATGCTGGTGACCAGCACGGGCTCCTGCACCTCCACCAGG[G>A]CTGAGTCATTGGCAGCAGAGATGTTGTTGGACGCGGTGACTGTCACAAGATAGGAGCCTG-3'
Protein context (NP_001009944.3, residues 1448-1468): SNNISAANDS[Ala1458Val]LVEVQEPVLV

ClinVar aggregate classification (germline): Uncertain significance. Review status: criteria provided, multiple submitters, no conflicts (2 of 4 stars). 2 submissions from 2 submitters: Uncertain significance (2). Last evaluated 2025-10-22.

Conditions:
Inborn genetic diseases. Identifiers: MedGen C0950123, MeSH D030342.

Submissions (2):

Ambry Genetics
Classification: Uncertain significance for Inborn genetic diseases. Last evaluated: 2025-10-22. Review status: criteria provided, single submitter. Criteria: Ambry Variant Classification Scheme 2023. Collection method: clinical testing. Allele origin: germline.

GeneDx
Classification: Uncertain significance. Last evaluated: 2020-11-10. Review status: criteria provided, single submitter. Criteria: GeneDx Variant Classification Process June 2021. Collection method: clinical testing. Allele origin: germline. Affected: yes.
Comment: Not observed in large population cohorts (Lek et al., 2016); In silico analysis supports that this missense variant does not alter protein structure/function; Has not been previously published as pathogenic or benign to our knowledge